The following is an entry in ClinVar:

ClinVar aggregate classification (germline): Uncertain significance (1 of 4 stars; one submission).

Allele frequency attached by ClinVar (database versions not stated): gnomAD exomes below 0.00001; TOPMed below 0.00001.

Submission:

Ambry Genetics
Classification: Uncertain significance. Last evaluated: 2024-10-17. Review status: criteria provided, single submitter. Criteria: Ambry Variant Classification Scheme 2023. Collection method: clinical testing. Allele origin: germline.
Comment: The p.A313T variant (also known as c.937G>A), located in coding exon 3 of the TERF2IP gene, results from a G to A substitution at nucleotide position 937. The alanine at codon 313 is replaced by threonine, an amino acid with similar properties. This amino acid position is conserved. In addition, this alteration is predicted to be tolerated by in silico analysis. Since supporting evidence is limited at this time, the clinical significance of this alteration remains unclear.

NM_018975.4(TERF2IP):c.937G>A (p.Ala313Thr)

Gene: TERF2IP (TERF2 interacting protein; plus strand). Cytogenetic location: 16q23.1.
Variant type: single nucleotide variant.
Coding change: c.937G>A on transcript NM_018975.4 (MANE Select); coding-DNA position 937, G replaced by A.
Protein change: p.Ala313Thr; replaces alanine 313 with threonine.
Molecular consequence: missense variant. On other transcripts: non-coding transcript variant (1).
Genome position (GRCh38, 1-based): chr16:75,656,348, G>A. VCF-style: chr16-75656348-G-A. GRCh37 (hg19) VCF-style: chr16-75690246-G-A.
Other names: short protein forms A313T.
Identifiers: ClinVar variation 1766739 (VCV001766739.3), dbSNP rs775864190, ClinGen allele CA396819913.